The following is an entry in ClinVar:

ClinVar aggregate classification (germline): Uncertain significance. Review status: criteria provided, multiple submitters, no conflicts (2 of 4 stars). 4 submissions from 4 submitters: Uncertain significance (4). Last evaluated 2026-02-02.

Conditions:
MYPN-related disorder. Also called: MYPN-related condition.
Cardiovascular phenotype. Identifiers: MedGen CN230736.
Dilated cardiomyopathy 1KK (CMD1KK). Identifiers: Orphanet 154, Orphanet 75249, MedGen C3714995, MONDO:0014100, OMIM 615248.

Allele frequency attached by ClinVar (database versions not stated): ESP Exome Variant Server 0.00008.
gnomAD v4.1: 32 of 1,614,004 alleles (0.002%); highest among the groups gnomAD compares: African/African-American, 0.015%; no homozygotes.

Submissions (4):

PreventionGenetics, part of Exact Sciences
Classification: Uncertain significance for MYPN-related condition. Last evaluated: 2026-02-02. Review status: criteria provided, single submitter. Criteria: ACMG Guidelines, 2015. Collection method: clinical testing. Allele origin: germline.
Comment: The MYPN c.2630G>A variant is predicted to result in the amino acid substitution p.Arg877His. To our knowledge, this variant has not been reported in the literature. This variant is reported in 0.012% of alleles in individuals of African descent in gnomAD. At this time, the clinical significance of this variant is uncertain due to the absence of conclusive functional and genetic evidence.

Mayo Clinic Laboratories, Mayo Clinic
Classification: Uncertain significance. Last evaluated: 2025-11-21. Review status: criteria provided, single submitter. Criteria: ACMG Guidelines, 2015. Collection method: clinical testing. Allele origin: germline. Observed: 1 variant allele.
Comment: BP4_moderate

Ambry Genetics
Classification: Uncertain significance for Cardiovascular phenotype. Last evaluated: 2025-06-24. Review status: criteria provided, single submitter. Criteria: Ambry Variant Classification Scheme 2023. Collection method: clinical testing. Allele origin: germline.

Labcorp Genetics (formerly Invitae), Labcorp
Classification: Uncertain significance for Dilated cardiomyopathy 1KK. Last evaluated: 2023-05-22. Review status: criteria provided, single submitter. Criteria: Invitae Variant Classification Sherloc (09022015). Collection method: clinical testing. Allele origin: germline.
Comment: In summary, the available evidence is currently insufficient to determine the role of this variant in disease. Therefore, it has been classified as a Variant of Uncertain Significance. An algorithm developed to predict the effect of missense changes on protein structure and function (PolyPhen-2) suggests that this variant¬† is likely to be tolerated. ClinVar contains an entry for this variant (Variation ID: 1366606). This variant has not been reported in the literature in individuals affected with MYPN-related conditions. This variant is present in population databases (rs371221569, gnomAD 0.01%). This sequence change replaces arginine, which is basic and polar, with histidine, which is basic and polar, at codon 877 of the MYPN protein (p.Arg877His).

NM_032578.4(MYPN):c.2630G>A (p.Arg877His)

Gene: MYPN (myopalladin; plus strand). Cytogenetic location: 10q21.3.
Variant type: single nucleotide variant.
Coding change: c.2630G>A on transcript NM_032578.4 (MANE Select); coding-DNA position 2630, G replaced by A.
Protein change: p.Arg877His; replaces arginine 877 with histidine.
Molecular consequence: missense variant. On other transcripts: non-coding transcript variant (1).
Genome position (GRCh38, 1-based): chr10:68,175,388, G>A. VCF-style: chr10-68175388-G-A. GRCh37 (hg19) VCF-style: chr10-69935145-G-A.
Other names: p.Arg877His; c.2630G>A, p.Arg877His (NM_001256267.2); c.1748G>A, p.Arg583His (NM_001256268.2); c.2630G>A (NM_032578.3); short protein forms R583H, R877H.
Identifiers: ClinVar variation 1366606 (VCV001366606.12), dbSNP rs371221569, ClinGen allele CA5522835.